The following is an entry in ClinVar:

ClinVar aggregate classification (germline): Likely pathogenic (1 of 4 stars; one submission).

Conditions:
Charcot-Marie-Tooth disease, demyelinating, IIA 1I. Also called: Charcot-Marie-Tooth disease, demyelinating, type 1I; CHARCOT-MARIE-TOOTH NEUROPATHY, TYPE 1I. Identifiers: MedGen C5676914, MONDO:0030677, OMIM 619742.

Submission:

OLLIN Analises Genomicas, OLLIN
Classification: Likely pathogenic for Charcot-Marie-Tooth disease, demyelinating, IIA 1I. Last evaluated: 2025-07-16. Review status: criteria provided, single submitter. Criteria: ACMG Guidelines 2015 PMID 25741868. Collection method: clinical testing. Allele origin: germline. Affected: yes. Observed: 1 variant allele.
Comment: The missense variant (chr12:106504242G>A), located in exon 27 (of 28), is not reported in the gnomAD v4.1 non-UKB or ClinVar databases, nor has it been found in the scientific literature. This variant is located in a known mutational hotspot, in a gene with low tolerance to missense variants, and in silico analysis predicts that it has a deleterious effect. According to currently available evidence, this variant has been classified as likely pathogenic (PM1, PM2_P, PP2, PP3_M).

NM_018082.6(POLR3B):c.3260G>A (p.Gly1087Glu)

Genes: POLR3B (RNA polymerase III subunit B; plus strand), RFX4-AS1 (RFX4 antisense RNA 1; minus strand). Cytogenetic location: 12q23.3.
Variant type: single nucleotide variant.
Coding change: c.3260G>A on transcript NM_018082.6 (MANE Select); coding-DNA position 3260, G replaced by A.
Protein change: p.Gly1087Glu; replaces glycine 1087 with glutamic acid.
Molecular consequence: missense variant.
Genome position (GRCh38, 1-based): chr12:106,504,242, G>A. VCF-style: chr12-106504242-G-A. GRCh37 (hg19) VCF-style: chr12-106898020-G-A.
Other names: c.3086G>A, p.Gly1029Glu (NM_001160708.2); short protein forms G1029E, G1087E.
Identifiers: ClinVar variation 4814153 (VCV004814153.1).